The following is an entry in ClinVar:

ClinVar aggregate classification (germline): Uncertain significance (1 of 4 stars; one submission).

Allele frequency attached by ClinVar (database versions not stated): gnomAD 0.00001.

Submission:

GeneDx
Classification: Uncertain significance. Last evaluated: 2019-10-25. Review status: criteria provided, single submitter. Criteria: GeneDx Variant Classification Process June 2021. Collection method: clinical testing. Allele origin: germline. Affected: yes.
Comment: Not observed in large population cohorts (Lek et al., 2016); In silico analysis, which includes protein predictors and evolutionary conservation, supports a deleterious effect; Has not been previously published as pathogenic or benign to our knowledge

NM_001367721.1(CASK):c.656T>C (p.Phe219Ser)

Gene: CASK (calcium/calmodulin dependent serine protein kinase; minus strand). Cytogenetic location: Xp11.4.
Variant type: single nucleotide variant.
Coding change: c.656T>C on transcript NM_001367721.1 (MANE Select); coding-DNA position 656, T replaced by C.
Protein change: p.Phe219Ser; replaces phenylalanine 219 with serine.
Molecular consequence: missense variant.
Genome position (GRCh38, 1-based): chrX:41,665,329, A>G on the plus strand (T>C on the coding strand, the complement: CASK is on the minus strand). VCF-style: chrX-41665329-A-G. GRCh37 (hg19) VCF-style: chrX-41524582-A-G.
Other names: c.656T>C, p.Phe219Ser (NM_001126054.3, NM_001126055.3, NM_001410745.1 and 1 more transcripts); short protein forms F219S.
Identifiers: ClinVar variation 1309714 (VCV001309714.2), dbSNP rs1189980578, ClinGen allele CA412997843.